The following is an entry in ClinVar:

NM_032043.3(BRIP1):c.2338A>G (p.Ile780Val)

Gene: BRIP1 (BRCA1 interacting DNA helicase 1; minus strand). Cytogenetic location: 17q23.2.
Variant type: single nucleotide variant.
Coding change: c.2338A>G on transcript NM_032043.3 (MANE Select); coding-DNA position 2338, A replaced by G.
Protein change: p.Ile780Val; replaces isoleucine 780 with valine.
Molecular consequence: missense variant.
Genome position (GRCh38, 1-based): chr17:61,743,054, T>C on the plus strand (A>G on the coding strand, the complement: BRIP1 is on the minus strand). VCF-style: chr17-61743054-T-C. GRCh37 (hg19) VCF-style: chr17-59820415-T-C.
Other names: short protein forms I780V.
Identifiers: ClinVar variation 848871 (VCV000848871.15), dbSNP rs776131401, ClinGen allele CA400482606.

ClinVar aggregate classification (germline): Uncertain significance. Review status: criteria provided, multiple submitters, no conflicts (2 of 4 stars). 4 submissions from 4 submitters: Uncertain significance (4). Last evaluated 2024-06-17.

Conditions:
Familial cancer of breast. Also called: hereditary breast carcinoma; BREAST CANCER, FAMILIAL; Hereditary breast cancer. Identifiers: Orphanet 227535, MedGen C0346153, MONDO:0016419, OMIM 114480. Disease mechanism: loss of function.
Fanconi anemia complementation group J. Also called: BRIP1-Related Fanconi Anemia. Identifiers: Orphanet 84, MedGen C1836860, MONDO:0012187, OMIM 609054.
Hereditary cancer-predisposing syndrome. Also called: Neoplastic Syndromes, Hereditary; Hereditary Cancer Syndrome; Hereditary neoplastic syndrome; Tumor predisposition. Identifiers: Orphanet 140162, MedGen C0027672, MeSH D009386, MONDO:0015356.

Submissions (4):

Color Diagnostics, LLC DBA Color Health
Classification: Uncertain significance for Hereditary cancer-predisposing syndrome. Last evaluated: 2024-06-17. Review status: criteria provided, single submitter. Criteria: ACMG Guidelines, 2015. Collection method: clinical testing. Allele origin: germline.
Comment: This missense variant replaces isoleucine with valine at codon 780 of the BRIP1 protein. Computational prediction suggests that this variant may not impact protein structure and function. To our knowledge, functional studies have not been reported for this variant. This variant has not been reported in individuals affected with hereditary cancer in the literature. This variant has not been identified in the general population by the Genome Aggregation Database (gnomAD). The available evidence is insufficient to determine the role of this variant in disease conclusively. Therefore, this variant is classified as a Variant of Uncertain Significance.

Fulgent Genetics
Classification: Uncertain significance for Familial cancer of breast; Fanconi anemia complementation group J. Last evaluated: 2024-04-01. Review status: criteria provided, single submitter. Criteria: ACMG Guidelines, 2015. Collection method: clinical testing. Allele origin: germline.

Ambry Genetics
Classification: Uncertain significance for Hereditary cancer-predisposing syndrome. Last evaluated: 2024-03-17. Review status: criteria provided, single submitter. Criteria: Ambry Variant Classification Scheme 2023. Collection method: clinical testing. Allele origin: germline.
Comment: The p.I780V variant (also known as c.2338A>G), located in coding exon 15 of the BRIP1 gene, results from an A to G substitution at nucleotide position 2338. The isoleucine at codon 780 is replaced by valine, an amino acid with highly similar properties. This amino acid position is not well conserved in available vertebrate species, and valine is the reference amino acid in other vertebrate species. In addition, this alteration is predicted to be tolerated by in silico analysis. Since supporting evidence is limited at this time, the clinical significance of this alteration remains unclear.

Labcorp Genetics (formerly Invitae), Labcorp
Classification: Uncertain significance for Familial cancer of breast; Fanconi anemia complementation group J. Last evaluated: 2021-03-22. Review status: criteria provided, single submitter. Criteria: Invitae Variant Classification Sherloc (09022015). Collection method: clinical testing. Allele origin: germline.
Comment: In summary, the available evidence is currently insufficient to determine the role of this variant in disease. Therefore, it has been classified as a Variant of Uncertain Significance. Algorithms developed to predict the effect of missense changes on protein structure and function output the following: SIFT: "Tolerated"; PolyPhen-2: "Benign"; Align-GVGD: "Class C0". The valine amino acid residue is found in multiple mammalian species, suggesting that this missense change does not adversely affect protein function. These predictions have not been confirmed by published functional studies and their clinical significance is uncertain. This variant has not been reported in the literature in individuals with BRIP1-related conditions. This variant is not present in population databases (ExAC no frequency). This sequence change replaces isoleucine with valine at codon 780 of the BRIP1 protein (p.Ile780Val). The isoleucine residue is moderately conserved and there is a small physicochemical difference between isoleucine and valine.